The following is an entry in ClinVar:

ClinVar aggregate classification (germline): Uncertain significance (1 of 4 stars; one submission).

gnomAD v4.1: 6 of 1,613,446 alleles (0.00037%); highest among the groups gnomAD compares: Non-Finnish European, 0.00051%; no homozygotes.

Submission:

GeneDx
Classification: Uncertain significance. Last evaluated: 2024-09-05. Review status: criteria provided, single submitter. Criteria: GeneDx Variant Classification Process June 2021. Collection method: clinical testing. Allele origin: germline. Affected: yes.
Comment: Not observed at significant frequency in large population cohorts (gnomAD); In silico analysis indicates that this missense variant does not alter protein structure/function; Has not been previously published as pathogenic or benign to our knowledge

NM_000282.4(PCCA):c.898G>A (p.Val300Met)

Gene: PCCA (propionyl-CoA carboxylase subunit alpha; plus strand). Cytogenetic location: 13q32.3.
Variant type: single nucleotide variant.
Coding change: c.898G>A on transcript NM_000282.4 (MANE Select); coding-DNA position 898, G replaced by A.
Protein change: p.Val300Met; replaces valine 300 with methionine.
Molecular consequence: missense variant. On other transcripts: 5 prime UTR variant (3), non-coding transcript variant (5).
Genome position (GRCh38, 1-based): chr13:100,268,767, G>A. VCF-style: chr13-100268767-G-A. GRCh37 (hg19) VCF-style: chr13-100921021-G-A.
Other names: c.820G>A, p.Val274Met (NM_001127692.3, NM_001352607.2, NM_001352608.2); c.898G>A, p.Val300Met (NM_001178004.2, NM_001352605.2, NM_001352606.2 and 1 more transcripts); c.-48G>A (NM_001352610.2, NM_001352611.2, NM_001352612.2); short protein forms V274M, V300M.
Identifiers: ClinVar variation 3767759 (VCV003767759.1).